The following is an entry in ClinVar:

NM_014956.5(CEP164):c.4082G>C (p.Arg1361Pro)

Gene: CEP164 (centrosomal protein 164; plus strand). Cytogenetic location: 11q23.3.
Variant type: single nucleotide variant.
Coding change: c.4082G>C on transcript NM_014956.5 (MANE Select); coding-DNA position 4082, G replaced by C.
Protein change: p.Arg1361Pro; replaces arginine 1361 with proline.
Molecular consequence: missense variant.
Genome position (GRCh38, 1-based): chr11:117,409,951, G>C. VCF-style: chr11-117409951-G-C. GRCh37 (hg19) VCF-style: chr11-117280667-G-C.
Other names: c.4067G>C, p.Arg1356Pro (NM_001271933.2); short protein forms R1356P, R1361P.
Identifiers: ClinVar variation 1010085 (VCV001010085.8), dbSNP rs148987415, ClinGen allele CA6295661.

ClinVar aggregate classification (germline): Uncertain significance (1 of 4 stars; one submission).

Conditions:
Nephronophthisis 15 (NPHP15). Identifiers: Orphanet 3156, MedGen C3541853, MONDO:0013917, OMIM 614845.

gnomAD v4.1: 1 of 1,614,096 alleles (0.000062%); highest among the groups gnomAD compares: Admixed American, 0.0017%; no homozygotes.

Submission:

Labcorp Genetics (formerly Invitae), Labcorp
Classification: Uncertain significance for Nephronophthisis 15. Last evaluated: 2020-07-01. Review status: criteria provided, single submitter. Criteria: Invitae Variant Classification Sherloc (09022015). Collection method: clinical testing. Allele origin: germline.
Comment: In summary, the available evidence is currently insufficient to determine the role of this variant in disease. Therefore, it has been classified as a Variant of Uncertain Significance. Algorithms developed to predict the effect of missense changes on protein structure and function are either unavailable or do not agree on the potential impact of this missense change (SIFT: "Deleterious"; PolyPhen-2: "Benign"; Align-GVGD: "Class C0"). This variant has not been reported in the literature in individuals with CEP164-related conditions. This variant is present in population databases (rs148987415, ExAC 0.009%). This sequence change replaces arginine with proline at codon 1361 of the CEP164 protein (p.Arg1361Pro). The arginine residue is highly conserved and there is a moderate physicochemical difference between arginine and proline.